The following is an entry in ClinVar:

NM_020738.4(KIDINS220):c.3847G>T (p.Val1283Leu)

Gene: KIDINS220 (kinase D interacting substrate 220; minus strand). Cytogenetic location: 2p25.1.
Variant type: single nucleotide variant.
Coding change: c.3847G>T on transcript NM_020738.4 (MANE Select); coding-DNA position 3847, G replaced by T.
Protein change: p.Val1283Leu; replaces valine 1283 with leucine.
Molecular consequence: missense variant. On other transcripts: non-coding transcript variant (2).
Genome position (GRCh38, 1-based): chr2:8,733,650, C>A on the plus strand (G>T on the coding strand, the complement: KIDINS220 is on the minus strand). VCF-style: chr2-8733650-C-A. GRCh37 (hg19) VCF-style: chr2-8873780-C-A.
Other names: c.3850G>T, p.Val1284Leu (NM_001348729.2); c.3793G>T, p.Val1265Leu (NM_001348731.2); c.3790G>T, p.Val1264Leu (NM_001348732.2, NM_001348738.2); c.3679G>T, p.Val1227Leu (NM_001348734.2, NM_001348739.2, NM_001348740.2); c.3676G>T, p.Val1226Leu (NM_001348735.2, NM_001348741.2, NM_001348742.2 and 1 more transcripts); c.3550G>T, p.Val1184Leu (NM_001348736.2); short protein forms V1184L, V1264L, V1284L, V1226L, V1227L, V1265L, V1283L.
Identifiers: ClinVar variation 4991090 (VCV004991090.1).

ClinVar aggregate classification (germline): Uncertain significance (1 of 4 stars; one submission).

Conditions:
KIDINS220-related disorder. Also called: KIDINS220-related condition.

Submission:

PreventionGenetics, part of Exact Sciences
Classification: Uncertain significance for KIDINS220-related condition. Last evaluated: 2026-01-09. Review status: criteria provided, single submitter. Criteria: ACMG Guidelines, 2015. Collection method: clinical testing. Allele origin: germline.
Comment: The KIDINS220 c.3847G>T variant is predicted to result in the amino acid substitution p.Val1283Leu. To our knowledge, this variant has not been reported in the literature or in a large population database (gnomAD), indicating this variant is rare. At this time, the clinical significance of this variant is uncertain due to the absence of conclusive functional and genetic evidence.